The following is an entry in ClinVar:

ClinVar aggregate classification (germline): Uncertain significance. Review status: criteria provided, multiple submitters, no conflicts (2 of 4 stars). 2 submissions from 2 submitters: Uncertain significance (2). Last evaluated 2025-03-29.

Conditions:
Gorlin syndrome. Also called: Basal cell nevus syndrome; Nevoid Basal Cell Carcinoma Syndrome. Identifiers: Orphanet 377, MedGen C0004779, MONDO:0007187.
Hereditary cancer-predisposing syndrome. Also called: Neoplastic Syndromes, Hereditary; Hereditary neoplastic syndrome; Tumor predisposition; Hereditary Cancer Syndrome. Identifiers: Orphanet 140162, MedGen C0027672, MeSH D009386, MONDO:0015356.

gnomAD v4.1: 1 of 1,614,168 alleles (0.000062%); highest among the groups gnomAD compares: Non-Finnish European, 0.000085%; no homozygotes.

Submissions (2):

Ambry Genetics
Classification: Uncertain significance for Hereditary cancer-predisposing syndrome. Last evaluated: 2025-03-29. Review status: criteria provided, single submitter. Criteria: Ambry Variant Classification Scheme 2023. Collection method: clinical testing. Allele origin: germline.
Comment: The p.D429Y variant (also known as c.1285G>T), located in coding exon 9 of the PTCH1 gene, results from a G to T substitution at nucleotide position 1285. The aspartic acid at codon 429 is replaced by tyrosine, an amino acid with highly dissimilar properties. This amino acid position is conserved. In addition, this alteration is predicted to be deleterious by in silico analysis. Based on the available evidence, the clinical significance of this variant remains unclear.

Labcorp Genetics (formerly Invitae), Labcorp
Classification: Uncertain significance for Gorlin syndrome. Last evaluated: 2019-01-30. Review status: criteria provided, single submitter. Criteria: Invitae Variant Classification Sherloc (09022015). Collection method: clinical testing. Allele origin: germline.
Comment: Algorithms developed to predict the effect of missense changes on protein structure and function are either unavailable or do not agree on the potential impact of this missense change (SIFT: "Deleterious"; PolyPhen-2: "Probably Damaging"; Align-GVGD: "Class C0"). In summary, the available evidence is currently insufficient to determine the role of this variant in disease. Therefore, it has been classified as a Variant of Uncertain Significance. This variant has not been reported in the literature in individuals with PTCH1-related conditions. This variant is not present in population databases (ExAC no frequency). This sequence change replaces aspartic acid with tyrosine at codon 429 of the PTCH1 protein (p.Asp429Tyr). The aspartic acid residue is moderately conserved and there is a large physicochemical difference between aspartic acid and tyrosine.

NM_000264.5(PTCH1):c.1285G>T (p.Asp429Tyr)

Gene: PTCH1 (patched 1; minus strand). Cytogenetic location: 9q22.32.
Variant type: single nucleotide variant.
Coding change: c.1285G>T on transcript NM_000264.5 (MANE Select); coding-DNA position 1285, G replaced by T.
Protein change: p.Asp429Tyr; replaces aspartic acid 429 with tyrosine.
Molecular consequence: missense variant. On other transcripts: non-coding transcript variant (1).
Genome position (GRCh38, 1-based): chr9:95,478,117, C>A on the plus strand (G>T on the coding strand, the complement: PTCH1 is on the minus strand). VCF-style: chr9-95478117-C-A. GRCh37 (hg19) VCF-style: chr9-98240399-C-A.
Other names: c.1087G>T, p.Asp363Tyr (NM_001083602.3); c.1282G>T, p.Asp428Tyr (NM_001083603.3); c.832G>T, p.Asp278Tyr (NM_001083604.3, NM_001083605.3, NM_001083606.3 and 1 more transcripts); c.1285G>T, p.Asp429Tyr (NM_001354918.2); short protein forms D363Y, D278Y, D428Y, D429Y.
Identifiers: ClinVar variation 839419 (VCV000839419.11), dbSNP rs377546733, ClinGen allele CA374118829.